The following is an entry in ClinVar:

ClinVar aggregate classification (germline): Pathogenic (1 of 4 stars; one submission).

Conditions:
Long QT syndrome (LQTS). Identifiers: MedGen C0023976, MeSH D008133, MONDO:0002442. Disease mechanism: loss of function. Inheritance: Various modes of inheritance.

Submission:

Labcorp Genetics (formerly Invitae), Labcorp
Classification: Pathogenic for Long QT syndrome. Last evaluated: 2023-12-07. Review status: criteria provided, single submitter. Criteria: Invitae Variant Classification Sherloc (09022015). Collection method: clinical testing. Allele origin: germline.
Comment: This sequence change replaces tryptophan, which is neutral and slightly polar, with cysteine, which is neutral and slightly polar, at codon 585 of the KCNH2 protein (p.Trp585Cys). This variant is not present in population databases (gnomAD no frequency). This missense change has been observed in individual(s) with long QT syndrome (PMID: 10973849; Invitae). In at least one individual the variant was observed to be de novo. ClinVar contains an entry for this variant (Variation ID: 581669). An algorithm developed to predict the effect of missense changes on protein structure and function (PolyPhen-2) suggests that this variant is likely to be disruptive. Experimental studies have shown that this missense change affects KCNH2 function (PMID: 12407082, 25417810). For these reasons, this variant has been classified as Pathogenic.

Literature cited by the submitters: PubMed 10973849; PubMed 12407082; PubMed 25417810.

NM_000238.4(KCNH2):c.1755G>C (p.Trp585Cys)

Gene: KCNH2 (potassium voltage-gated channel subfamily H member 2; minus strand). Cytogenetic location: 7q36.1.
Variant type: single nucleotide variant.
Coding change: c.1755G>C on transcript NM_000238.4 (MANE Select); coding-DNA position 1755, G replaced by C.
Protein change: p.Trp585Cys; replaces tryptophan 585 with cysteine.
Molecular consequence: missense variant.
Genome position (GRCh38, 1-based): chr7:150,951,638, C>G on the plus strand (G>C on the coding strand, the complement: KCNH2 is on the minus strand). VCF-style: chr7-150951638-C-G. GRCh37 (hg19) VCF-style: chr7-150648726-C-G.
Other names: c.735G>C, p.Trp245Cys (NM_001204798.2, NM_172057.3); c.1467G>C, p.Trp489Cys (NM_001406753.1, NM_001406756.1); c.1578G>C, p.Trp526Cys (NM_001406755.1); c.1455G>C, p.Trp485Cys (NM_001406757.1); c.1755G>C, p.Trp585Cys (NM_172056.3); short protein forms W585C, W245C, W485C, W526C, W489C.
Identifiers: ClinVar variation 581669 (VCV000581669.9), dbSNP rs199473430, ClinGen allele CA369858128.